The following is an entry in ClinVar:

NM_201596.3(CACNB2):c.1683G>T (p.Glu561Asp)

Gene: CACNB2 (calcium voltage-gated channel auxiliary subunit beta 2; plus strand). Cytogenetic location: 10p12.31.
Variant type: single nucleotide variant.
Coding change: c.1683G>T on transcript NM_201596.3 (MANE Select); coding-DNA position 1683, G replaced by T.
Protein change: p.Glu561Asp; replaces glutamic acid 561 with aspartic acid.
Molecular consequence: missense variant.
Genome position (GRCh38, 1-based): chr10:18,539,424, G>T. VCF-style: chr10-18539424-G-T. GRCh37 (hg19) VCF-style: chr10-18828353-G-T.
Other names: c.1518G>T, p.Glu506Asp (NM_000724.4); c.1485G>T, p.Glu495Asp (NM_001167945.2); c.1404G>T, p.Glu468Asp (NM_001330060.2); c.1425G>T, p.Glu475Asp (NM_001410882.1); c.1539G>T, p.Glu513Asp (NM_201570.3); c.1599G>T, p.Glu533Asp (NM_201571.4); c.1527G>T, p.Glu509Asp (NM_201572.4); c.1521G>T, p.Glu507Asp (NM_201590.3); and 2 more; short protein forms E475D, E468D, E507D, E523D, E561D, E537D, E495D, E506D.
Identifiers: ClinVar variation 1986582 (VCV001986582.5), dbSNP rs773373763, ClinGen allele CA376071741.

ClinVar aggregate classification (germline): Uncertain significance. Review status: criteria provided, multiple submitters, no conflicts (2 of 4 stars). 2 submissions from 2 submitters: Uncertain significance (2). Last evaluated 2025-06-02.

Conditions:
Brugada syndrome 4 (BRGDA4). Identifiers: Orphanet 130, MedGen C2678477, MONDO:0012743, OMIM 611876.

gnomAD v4.1: 2 of 1,614,066 alleles (0.00012%); highest among the groups gnomAD compares: Non-Finnish European, 0.00017%; no homozygotes.

Submissions (2):

Women's Health and Genetics/Laboratory Corporation of America, LabCorp
Classification: Uncertain significance. Last evaluated: 2025-06-02. Review status: criteria provided, single submitter. Criteria: LabCorp Variant Classification Summary - May 2015. Collection method: clinical testing. Allele origin: germline.

Labcorp Genetics (formerly Invitae), Labcorp
Classification: Uncertain significance for Brugada syndrome 4. Last evaluated: 2022-02-24. Review status: criteria provided, single submitter. Criteria: Invitae Variant Classification Sherloc (09022015). Collection method: clinical testing. Allele origin: germline.
Comment: In summary, the available evidence is currently insufficient to determine the role of this variant in disease. Therefore, it has been classified as a Variant of Uncertain Significance. Algorithms developed to predict the effect of missense changes on protein structure and function output the following: SIFT: "Tolerated"; PolyPhen-2: "Benign"; Align-GVGD: "Class C0". The aspartic acid amino acid residue is found in multiple mammalian species, which suggests that this missense change does not adversely affect protein function. This variant has not been reported in the literature in individuals affected with CACNB2-related conditions. This variant is not present in population databases (gnomAD no frequency). This sequence change replaces glutamic acid, which is acidic and polar, with aspartic acid, which is acidic and polar, at codon 507 of the CACNB2 protein (p.Glu507Asp).